The following is an entry in ClinVar:

NM_001267550.2(TTN):c.13697A>G (p.Gln4566Arg)

Gene: TTN (titin; minus strand). Cytogenetic location: 2q31.2.
Variant type: single nucleotide variant.
Coding change: c.13697A>G on transcript NM_001267550.2 (MANE Select); coding-DNA position 13697, A replaced by G.
Protein change: p.Gln4566Arg; replaces glutamine 4566 with arginine.
Molecular consequence: missense variant. On other transcripts: intron variant (1).
Genome position (GRCh38, 1-based): chr2:178,739,536, T>C on the plus strand (A>G on the coding strand, the complement: TTN is on the minus strand). VCF-style: chr2-178739536-T-C. GRCh37 (hg19) VCF-style: chr2-179604263-T-C.
Other names: c.12746A>G, p.Gln4249Arg (NM_001256850.1); c.12608A>G, p.Gln4203Arg (NM_003319.4); c.12983A>G, p.Gln4328Arg (NM_133432.3); c.13184A>G, p.Gln4395Arg (NM_133437.4); c.10361-1176A>G (NM_133378.4); short protein forms Q4203R, Q4249R, Q4328R, Q4395R, Q4566R.
Identifiers: ClinVar variation 3905740 (VCV003905740.10).

ClinVar aggregate classification (germline): Uncertain significance (1 of 4 stars; one submission).

Submission:

CeGaT Center for Human Genetics Tuebingen
Classification: Uncertain significance. Last evaluated: 2025-04-01. Review status: criteria provided, single submitter. Criteria: CeGaT Center For Human Genetics Tuebingen Variant Classification Criteria Version 2. Collection method: clinical testing. Allele origin: germline. Affected: yes. Observed: 1 variant allele.
Comment: TTN: PM2, BP4